The following is an entry in ClinVar:

NM_024529.5(CDC73):c.994A>T (p.Thr332Ser)

Gene: CDC73 (cell division cycle 73; plus strand). Cytogenetic location: 1q31.2.
Variant type: single nucleotide variant.
Coding change: c.994A>T on transcript NM_024529.5 (MANE Select); coding-DNA position 994, A replaced by T.
Protein change: p.Thr332Ser; replaces threonine 332 with serine.
Molecular consequence: missense variant.
Genome position (GRCh38, 1-based): chr1:193,203,816, A>T. VCF-style: chr1-193203816-A-T. GRCh37 (hg19) VCF-style: chr1-193172946-A-T.
Other names: short protein forms T332S.
Identifiers: ClinVar variation 1380243 (VCV001380243.8), dbSNP rs1572196406, ClinGen allele CA344076121.

ClinVar aggregate classification (germline): Uncertain significance (1 of 4 stars; one submission).

Conditions:
Parathyroid carcinoma (PRTC). Also called: Parathyroid gland carcinoma; CDC73-Related Parathyroid Carcinoma. Identifiers: Orphanet 143, MedGen C0687150, MONDO:0012004, OMIM 608266, HP:0006780.

Submission:

Labcorp Genetics (formerly Invitae), Labcorp
Classification: Uncertain significance for Parathyroid carcinoma. Last evaluated: 2022-09-06. Review status: criteria provided, single submitter. Criteria: Invitae Variant Classification Sherloc (09022015). Collection method: clinical testing. Allele origin: germline.
Comment: In summary, the available evidence is currently insufficient to determine the role of this variant in disease. Therefore, it has been classified as a Variant of Uncertain Significance. Algorithms developed to predict the effect of missense changes on protein structure and function (SIFT, PolyPhen-2, Align-GVGD) all suggest that this variant is likely to be tolerated. ClinVar contains an entry for this variant (Variation ID: 1380243). This variant has not been reported in the literature in individuals affected with CDC73-related conditions. This variant is not present in population databases (gnomAD no frequency). This sequence change replaces threonine, which is neutral and polar, with serine, which is neutral and polar, at codon 332 of the CDC73 protein (p.Thr332Ser).